The following is an entry in ClinVar:

ClinVar aggregate classification (germline): Conflicting classifications of pathogenicity. Review status: criteria provided, conflicting classifications (1 of 4 stars). 3 submissions from 3 submitters: Uncertain significance (2); Likely benign (1). Last evaluated 2024-09-29.

Allele frequency attached by ClinVar (database versions not stated): gnomAD exomes below 0.00001 and 0.00001; TOPMed 0.00001.
gnomAD v4.1: 9 of 1,613,792 alleles (0.00056%); highest among the groups gnomAD compares: East Asian, 0.0045%; no homozygotes.

Submissions (3):

Labcorp Genetics (formerly Invitae), Labcorp
Classification: Likely benign. Last evaluated: 2024-09-29. Review status: criteria provided, single submitter. Criteria: Invitae Variant Classification Sherloc (09022015). Collection method: clinical testing. Allele origin: germline.

Blueprint Genetics
Classification: Uncertain significance. Last evaluated: 2021-03-02. Review status: criteria provided, single submitter. Criteria: ACMG Guidelines, 2015. Collection method: clinical testing. Allele origin: germline.

GeneDx
Classification: Uncertain significance. Last evaluated: 2020-01-27. Review status: criteria provided, single submitter. Criteria: GeneDx Variant Classification Process June 2021. Collection method: clinical testing. Allele origin: germline. Affected: yes.
Comment: In silico analysis, which includes protein predictors and evolutionary conservation, supports a deleterious effect; Has not been previously published as pathogenic or benign to our knowledge

NM_015559.3(SETBP1):c.160C>T (p.Arg54Cys)

Gene: SETBP1 (SET binding protein 1; plus strand). Cytogenetic location: 18q12.3.
Variant type: single nucleotide variant.
Coding change: c.160C>T on transcript NM_015559.3 (MANE Select); coding-DNA position 160, C replaced by T.
Protein change: p.Arg54Cys; replaces arginine 54 with cysteine.
Molecular consequence: missense variant.
Genome position (GRCh38, 1-based): chr18:44,701,506, C>T. VCF-style: chr18-44701506-C-T. GRCh37 (hg19) VCF-style: chr18-42281471-C-T.
Other names: c.160C>T, p.Arg54Cys (NM_001130110.2, NM_001379141.1, NM_001379142.1); short protein forms R54C.
Identifiers: ClinVar variation 1312981 (VCV001312981.8), dbSNP rs1325528399, ClinGen allele CA402481555.
Genomic context (GRCh38, chr18:44,701,506, plus strand): 5'-GCAGGAGAACCTTTGCTCTCCACTCCAGGACCTGGGAAGGGGATCCCGGTGGGCGGAGAG[C>T]GCATGGAGCCAGAGGAGGAGGATGAACTAGGCTCAGGGCGGGATGTGGATTCCAACTCCA-3'
Protein context (NP_056374.2, residues 44-64): PGKGIPVGGE[Arg54Cys]MEPEEEDELG